The following is an entry in ClinVar:

ClinVar aggregate classification (germline): Uncertain significance (1 of 4 stars; one submission).

Conditions:
MOGS-congenital disorder of glycosylation. Also called: MOGS-CDG; CDG IIb; GLUCOSIDASE I DEFICIENCY; CDG 2B. Identifiers: Orphanet 79330, MedGen C1853736, MONDO:0011629, OMIM 606056.

Allele frequency attached by ClinVar (database versions not stated): gnomAD exomes 0.00001.
gnomAD v4.1: 15 of 1,614,184 alleles (0.00093%); highest among the groups gnomAD compares: African/African-American, 0.0013%; no homozygotes.

Submission:

Labcorp Genetics (formerly Invitae), Labcorp
Classification: Uncertain significance for MOGS-congenital disorder of glycosylation. Last evaluated: 2021-08-31. Review status: criteria provided, single submitter. Criteria: Invitae Variant Classification Sherloc (09022015). Collection method: clinical testing. Allele origin: germline.
Comment: This sequence change replaces methionine with isoleucine at codon 276 of the MOGS protein (p.Met276Ile). The methionine residue is moderately conserved and there is a small physicochemical difference between methionine and isoleucine. This variant is not present in population databases (ExAC no frequency). This variant has not been reported in the literature in individuals affected with MOGS-related conditions. Algorithms developed to predict the effect of missense changes on protein structure and function (SIFT, PolyPhen-2, Align-GVGD) all suggest that this variant is likely to be tolerated. In summary, the available evidence is currently insufficient to determine the role of this variant in disease. Therefore, it has been classified as a Variant of Uncertain Significance.

NM_006302.3(MOGS):c.828G>A (p.Met276Ile)

Gene: MOGS (mannosyl-oligosaccharide glucosidase; minus strand). Cytogenetic location: 2p13.1.
Variant type: single nucleotide variant.
Coding change: c.828G>A on transcript NM_006302.3 (MANE Select); coding-DNA position 828, G replaced by A.
Protein change: p.Met276Ile; replaces methionine 276 with isoleucine.
Molecular consequence: missense variant.
Genome position (GRCh38, 1-based): chr2:74,462,961, C>T on the plus strand (G>A on the coding strand, the complement: MOGS is on the minus strand). VCF-style: chr2-74462961-C-T. GRCh37 (hg19) VCF-style: chr2-74690088-C-T.
Other names: c.510G>A, p.Met170Ile (NM_001146158.2); c.828G>A, p.Met276Ile (LRG_1226t1); short protein forms M276I, M170I.
Identifiers: ClinVar variation 570221 (VCV000570221.6), dbSNP rs1558566109, ClinGen allele CA347379082.